The following is an entry in ClinVar:

ClinVar aggregate classification (germline): Conflicting classifications of pathogenicity. Review status: criteria provided, conflicting classifications (1 of 4 stars). 7 submissions from 7 submitters: Uncertain significance (5); Likely benign (2). Last evaluated 2026-09-01.

Conditions:
Ehlers-Danlos syndrome due to tenascin-X deficiency (EDSCLL1). Also called: EDS DUE TO TNX DEFICIENCY; TNX DEFICIENCY; TNXB-Related Classical-Like Ehlers-Danlos Syndrome; EHLERS-DANLOS SYNDROME, CLASSIC-LIKE; Ehlers-Danlos syndrome, classic-like, 1. Identifiers: Orphanet 230839, MedGen C1848029, MONDO:0011670, OMIM 606408.
Vesicoureteral reflux 8 (VUR8). Identifiers: Orphanet 289365, MedGen C4014831, MONDO:0014422, OMIM 615963.
Cardiovascular phenotype. Identifiers: MedGen CN230736.
Ehlers-Danlos syndrome (EDS). Identifiers: Orphanet 98249, MedGen C0013720, MONDO:0020066.
TNXB-related disorder. Also called: TNXB-related condition.

Allele frequency attached by ClinVar (database versions not stated): 1000 Genomes Project 0.00040; ESP Exome Variant Server 0.00040; 1000 Genomes Project 30x 0.00047.
gnomAD v4.1: 522 of 1,544,092 alleles (0.034%); highest among the groups gnomAD compares: Middle Eastern, 0.12%; no homozygotes.

Submissions (7):

GeneDx
Classification: Uncertain significance. Last evaluated: 2026-09-01. Review status: criteria provided, single submitter. Criteria: GeneDx Variant Classification Process June 2021. Collection method: clinical testing. Allele origin: germline.
Comment: Identified in association with hereditary primary vesicoureteral reflux (PMID: 23620400); Identified in a patient with keratoconus that harbored additional variants (PMID: 37895187); In silico analysis supports that this missense variant has a deleterious effect on protein structure/function; This variant is associated with the following publications: (PMID: 23620400, 37895187)

PreventionGenetics, part of Exact Sciences
Classification: Uncertain significance for TNXB-related condition. Last evaluated: 2026-04-06. Review status: criteria provided, single submitter. Criteria: ACMG Guidelines, 2015. Collection method: clinical testing. Allele origin: germline.
Comment: The TNXB c.4010G>A variant is predicted to result in the amino acid substitution p.Arg1337His. This variant has been reported in a cohort of patients with vesicoureteral reflux (Table S3, Gbadegesin et al. 2013. PubMed ID: 23620400) and in an individual with non-syndromic pediatric keratoconus (González-Atienza et al. 2023. PubMed ID: 37895187). This variant is reported in 0.088% of alleles in individuals of Latino descent in gnomAD, which is probably too high for this variant to be a primary cause of diseases. Although we suspect that this variant may be benign, at this time, the clinical significance of this variant is uncertain due to the absence of conclusive functional and genetic evidence.

Women's Health and Genetics/Laboratory Corporation of America, LabCorp
Classification: Likely benign. Last evaluated: 2025-12-23. Review status: criteria provided, single submitter. Criteria: LabCorp Variant Classification Summary - May 2015. Collection method: clinical testing. Allele origin: germline.
Comment: Variant summary: TNXB c.4010G>A (p.Arg1337His) results in a non-conservative amino acid change in the encoded protein sequence. Algorithms developed to predict the effect of missense changes on protein structure and function are either unavailable or do not agree on the potential impact of this missense change. The variant allele was found at a frequency of 0.00034 in 1537216 control chromosomes, predominantly at a frequency of 0.0009 within the Latino subpopulation in the gnomAD database. This frequency is somewhat lower than the estimated maximum expected for disease-causing variants in TNXB, allowing no clear conclusions about variant significance. c.4010G>A has been reported in the literature in heterozygous individuals affected with keratoconus (Gonzalez-Atienza_2023). These report(s) do not provide unequivocal conclusions about association of the variant with Ehlers-Danlos syndrome due to tenascin-X deficiency. To our knowledge, no experimental evidence demonstrating an impact on protein function has been reported. The following publication has been ascertained in the context of this evaluation (PMID: 37895187). ClinVar contains an entry for this variant (Variation ID: 1207037). Based on the evidence outlined above, the variant was classified as likely benign.

Mayo Clinic Laboratories, Mayo Clinic
Classification: Uncertain significance. Last evaluated: 2025-10-21. Review status: criteria provided, single submitter. Criteria: ACMG Guidelines, 2015. Collection method: clinical testing. Allele origin: germline. Observed: 5 variant alleles.
Comment: BP4_moderate

Fulgent Genetics
Classification: Uncertain significance for Ehlers-Danlos syndrome due to tenascin-X deficiency; Vesicoureteral reflux 8. Last evaluated: 2024-01-26. Review status: criteria provided, single submitter. Criteria: ACMG Guidelines, 2015. Collection method: clinical testing. Allele origin: germline.

Ambry Genetics
Classification: Likely benign for Cardiovascular phenotype. Last evaluated: 2024-01-17. Review status: criteria provided, single submitter. Criteria: Ambry Variant Classification Scheme 2023. Collection method: clinical testing. Allele origin: germline.

Genome Diagnostics Laboratory, The Hospital for Sick Children
Classification: Uncertain significance for Ehlers-Danlos syndrome. Last evaluated: 2022-01-31. Review status: criteria provided, single submitter. Criteria: ACMG Guidelines, 2015. Collection method: clinical testing. Allele origin: germline.

Literature cited by the submitters: PubMed 37895187 (cited by Women's Health and Genetics/Laboratory Corporation of America, LabCorp and Mayo Clinic Laboratories, Mayo Clinic); PubMed 23620400 (cited by Mayo Clinic Laboratories, Mayo Clinic and Ambry Genetics).

NM_001365276.2(TNXB):c.4010G>A (p.Arg1337His)

Gene: TNXB (tenascin XB; minus strand). Cytogenetic location: 6p21.33.
Variant type: single nucleotide variant.
Coding change: c.4010G>A on transcript NM_001365276.2 (MANE Select); coding-DNA position 4010, G replaced by A.
Protein change: p.Arg1337His; replaces arginine 1337 with histidine.
Molecular consequence: missense variant.
Genome position (GRCh38, 1-based): chr6:32,081,400, C>T on the plus strand (G>A on the coding strand, the complement: TNXB is on the minus strand). VCF-style: chr6-32081400-C-T. GRCh37 (hg19) VCF-style: chr6-32049177-C-T.
Other names: p.Arg1337His; c.4010G>A, p.Arg1337His (NM_019105.8); short protein forms R1337H.
Identifiers: ClinVar variation 1207037 (VCV001207037.23), dbSNP rs61735731, ClinGen allele CA3735060.
Genomic context (GRCh38, chr6:32,081,400, plus strand): 5'-GGAGGGAGGCCTGGCAGCCATGACTCACCAGTCTTGGCCACCACAGACTCGGGCCCCACA[C>T]GCTGCCTGCCACGAAGCCCGTAGAGGTTCATCTTATACTTCCGGTCGGGATCCAGGCCGG-3'
Protein context (NP_001352205.1, residues 1327-1347): MNLYGLRGRQ[Arg1337His]VGPESVVAKT